The following is an entry in ClinVar:

NM_024408.4(NOTCH2):c.7376T>C (p.Met2459Thr)

Gene: NOTCH2 (notch receptor 2; minus strand). Cytogenetic location: 1p12.
Variant type: single nucleotide variant.
Coding change: c.7376T>C on transcript NM_024408.4 (MANE Select); coding-DNA position 7376, T replaced by C.
Protein change: p.Met2459Thr; replaces methionine 2459 with threonine.
Molecular consequence: missense variant.
Genome position (GRCh38, 1-based): chr1:119,915,346, A>G on the plus strand (T>C on the coding strand, the complement: NOTCH2 is on the minus strand). VCF-style: chr1-119915346-A-G. GRCh37 (hg19) VCF-style: chr1-120457969-A-G.
Other names: short protein forms M2459T.
Identifiers: ClinVar variation 2783128 (VCV002783128.3), dbSNP rs2101141069, ClinGen allele CA341871411.

ClinVar aggregate classification (germline): Uncertain significance (1 of 4 stars; one submission).

Conditions:
Hajdu-Cheney syndrome (HJCYS). Also called: Acroosteolysis dominant type; ACROOSTEOLYSIS WITH OSTEOPOROSIS AND CHANGES IN SKULL AND MANDIBLE; SERPENTINE FIBULA-POLYCYSTIC KIDNEY SYNDROME. Identifiers: Orphanet 955, MedGen C0917715, MONDO:0007057, OMIM 102500.

Submission:

Labcorp Genetics (formerly Invitae), Labcorp
Classification: Uncertain significance for Hajdu-Cheney syndrome. Last evaluated: 2023-08-30. Review status: criteria provided, single submitter. Criteria: Invitae Variant Classification Sherloc (09022015). Collection method: clinical testing. Allele origin: germline.
Comment: This sequence change replaces methionine, which is neutral and non-polar, with threonine, which is neutral and polar, at codon 2459 of the NOTCH2 protein (p.Met2459Thr). In summary, the available evidence is currently insufficient to determine the role of this variant in disease. Therefore, it has been classified as a Variant of Uncertain Significance. Advanced modeling of protein sequence and biophysical properties (such as structural, functional, and spatial information, amino acid conservation, physicochemical variation, residue mobility, and thermodynamic stability) performed at Invitae indicates that this missense variant is not expected to disrupt NOTCH2 protein function. This variant has not been reported in the literature in individuals affected with NOTCH2-related conditions. This variant is not present in population databases (gnomAD no frequency).